The following is an entry in ClinVar:

NM_000918.4(P4HB):c.220G>C (p.Gly74Arg)

Gene: P4HB (prolyl 4-hydroxylase subunit beta; minus strand). Cytogenetic location: 17q25.3.
Variant type: single nucleotide variant.
Coding change: c.220G>C on transcript NM_000918.4 (MANE Select); coding-DNA position 220, G replaced by C.
Protein change: p.Gly74Arg; replaces glycine 74 with arginine.
Molecular consequence: missense variant.
Genome position (GRCh38, 1-based): chr17:81,859,313, C>G on the plus strand (G>C on the coding strand, the complement: P4HB is on the minus strand). VCF-style: chr17-81859313-C-G. GRCh37 (hg19) VCF-style: chr17-79817189-C-G.
Other names: short protein forms G74R.
Identifiers: ClinVar variation 2041033 (VCV002041033.4), dbSNP rs2509961448, ClinGen allele CA401518239.
Genomic context (GRCh38, chr17:81,859,313, plus strand): 5'-ACTGCTGGGCCAGGTCAGACTCCTCCGTGGCGTCCACCTTGGCCAACCTGATCTCGGAAC[C>G]TTCTGCCTTCAGCTTCCCAGCGGCTTTGGCATACTCAGGGGCCAGAGCCTTGCAGTGGCC-3'
Protein context (NP_000909.2, residues 64-84): AKAAGKLKAE[Gly74Arg]SEIRLAKVDA

ClinVar aggregate classification (germline): Uncertain significance (1 of 4 stars; one submission).

Submission:

Labcorp Genetics (formerly Invitae), Labcorp
Classification: Uncertain significance. Last evaluated: 2022-11-22. Review status: criteria provided, single submitter. Criteria: Invitae Variant Classification Sherloc (09022015). Collection method: clinical testing. Allele origin: germline.
Comment: In summary, the available evidence is currently insufficient to determine the role of this variant in disease. Therefore, it has been classified as a Variant of Uncertain Significance. Algorithms developed to predict the effect of missense changes on protein structure and function are either unavailable or do not agree on the potential impact of this missense change (SIFT: "Deleterious"; PolyPhen-2: "Benign"; Align-GVGD: "Class C15"). This variant has not been reported in the literature in individuals affected with P4HB-related conditions. This variant is not present in population databases (gnomAD no frequency). This sequence change replaces glycine, which is neutral and non-polar, with arginine, which is basic and polar, at codon 74 of the P4HB protein (p.Gly74Arg).